The following is an entry in ClinVar:

ClinVar aggregate classification (germline): Uncertain significance (1 of 4 stars; one submission).

Conditions:
Amyotrophic lateral sclerosis type 8 (ALS8). Identifiers: Orphanet 803, MedGen C1837728, MONDO:0012077, OMIM 608627.
Adult-onset proximal spinal muscular atrophy, autosomal dominant. Also called: FINKEL LATE-ADULT TYPE SMA; Spinal muscular atrophy, late-onset, finkel type. Identifiers: Orphanet 209335, MedGen C1854058, MONDO:0008453, OMIM 182980.

Submission:

Labcorp Genetics (formerly Invitae), Labcorp
Classification: Uncertain significance for Adult-onset proximal spinal muscular atrophy, autosomal dominant; Amyotrophic lateral sclerosis type 8. Last evaluated: 2021-10-28. Review status: criteria provided, single submitter. Criteria: Invitae Variant Classification Sherloc (09022015). Collection method: clinical testing. Allele origin: germline.
Comment: In summary, the available evidence is currently insufficient to determine the role of this variant in disease. Therefore, it has been classified as a Variant of Uncertain Significance. This variant has not been reported in the literature in individuals affected with VAPB-related conditions. This variant results in a copy number gain of the genomic region encompassing exon(s) 3-6 of the VAPB gene. This region includes the termination codon of the gene. This copy number gain extends beyond the assayed region for this gene and therefore may encompass additional genes. As the precise location of this event is unknown, it may be in tandem or it may be located elsewhere in the genome.

NC_000020.10:g.(?_57009638)_(57019291_?)dup

Gene: VAPB (VAMP associated protein B and C; plus strand). Cytogenetic location: 20q13.32.
Variant type: Duplication.
Identifiers: ClinVar variation 2425222 (VCV002425222.4).